The following is an entry in ClinVar:

NM_001042492.3(NF1):c.4456del (p.Cys1486fs)

Gene: NF1 (neurofibromin 1; plus strand). Cytogenetic location: 17q11.2.
Variant type: Deletion.
Coding change: c.4456del on transcript NM_001042492.3 (MANE Select); coding-DNA position 4456, one base deleted (T; older notation c.4456delT).
Protein change: p.Cys1486fs; shifts the reading frame from cysteine 1486.
Molecular consequence: frameshift variant.
Genome position (GRCh38, 1-based): chr17:31,260,394, T deleted; the last of 2 consecutive T bases (chr17:31,260,393-31,260,394); deleting either gives the same sequence. VCF-style (leftmost placement, unchanged base first): chr17-31260392-AT-A. GRCh37 (hg19) VCF-style: chr17-29587410-AT-A.
Other names: c.4393delT (NM_000267.3); c.4393delT, p.Cys1465Valfs (NM_000267.4); short protein forms C1465fs, C1486fs.
Identifiers: ClinVar variation 580782 (VCV000580782.5), dbSNP rs1567862860, ClinGen allele CA891843825.

ClinVar aggregate classification (germline): Pathogenic (1 of 4 stars; one submission).

Conditions:
Neurofibromatosis, type 1 (NF1). Also called: Peripheral type neurofibromatosis; Neurofibromatosis, type I; VON RECKLINGHAUSEN DISEASE; NEUROFIBROMATOSIS, TYPE I, SOMATIC. Identifiers: Orphanet 636, MedGen C0027831, MONDO:0018975, OMIM 162200. Disease mechanism: loss of function.

Submission:

Labcorp Genetics (formerly Invitae), Labcorp
Classification: Pathogenic for Neurofibromatosis, type 1. Last evaluated: 2018-04-10. Review status: criteria provided, single submitter. Criteria: Invitae Variant Classification Sherloc (09022015). Collection method: clinical testing. Allele origin: germline.
Comment: This sequence change creates a premature translational stop signal (p.Cys1465Valfs*7) in the NF1 gene. It is expected to result in an absent or disrupted protein product. This variant is not present in population databases (ExAC no frequency). This variant has not been reported in the literature in individuals with NF1-related disease. Loss-of-function variants in NF1 are known to be pathogenic (PMID: 10712197, 23913538). For these reasons, this variant has been classified as Pathogenic.

Literature cited by the submitters: PubMed 10712197; PubMed 23913538.